The following is an entry in ClinVar:

ClinVar aggregate classification (germline): Pathogenic (1 of 4 stars; one submission).

Conditions:
Epilepsy, familial focal, with variable foci 3 (FFEVF3). Identifiers: MedGen C4310708, MONDO:0014925, OMIM 617118.

Submission:

Labcorp Genetics (formerly Invitae), Labcorp
Classification: Pathogenic for Epilepsy, familial focal, with variable foci 3. Last evaluated: 2024-06-02. Review status: criteria provided, single submitter. Criteria: Invitae Variant Classification Sherloc (09022015). Collection method: clinical testing. Allele origin: germline.
Comment: This sequence change creates a premature translational stop signal (p.Glu78Asnfs*7) in the NPRL3 gene. It is expected to result in an absent or disrupted protein product. Loss-of-function variants in NPRL3 are known to be pathogenic (PMID: 26285051, 26505888). This variant is not present in population databases (gnomAD no frequency). This variant has not been reported in the literature in individuals affected with NPRL3-related conditions. For these reasons, this variant has been classified as Pathogenic.

Literature cited by the submitters: PubMed 26285051; PubMed 26505888.

NM_001077350.3(NPRL3):c.231_232del (p.Glu78fs)

Genes: HBA-LCR (alpha-globin locus control region; plus strand), NPRL3 (NPR3 like, GATOR1 complex subunit; minus strand). Cytogenetic location: 16p13.3.
Variant type: Deletion.
Coding change: c.231_232del on transcript NM_001077350.3 (MANE Select); coding-DNA positions 231 to 232, 2 bases deleted (TG; older notation c.231_232delTG).
Protein change: p.Glu78fs; shifts the reading frame from glutamic acid 78.
Molecular consequence: frameshift variant. On other transcripts: 5 prime UTR variant (1), intron variant (1).
Genome position (GRCh38, 1-based): chr16:119,212-119,213, CA deleted on the plus strand (TG on the coding strand, the reverse complement: NPRL3 is on the minus strand). VCF-style (leftmost placement, unchanged base first): chr16-119211-TCA-T. GRCh37 (hg19) VCF-style: chr16-169210-TCA-T.
Other names: c.-4_-3del (NM_001243247.2); c.231_232del, p.Glu78fs (NM_001243248.2, NM_001243249.2); c.-144-6438_-144-6437del (NM_001039476.3); short protein forms E78fs.
Identifiers: ClinVar variation 3655273 (VCV003655273.2).